The following is an entry in ClinVar:

ClinVar aggregate classification (germline): Uncertain significance (1 of 4 stars; one submission).

Allele frequency attached by ClinVar (database versions not stated): gnomAD exomes below 0.00001; ExAC 0.00001.
gnomAD v4.1: 1 of 1,614,134 alleles (0.000062%); highest among the groups gnomAD compares: Admixed American, 0.0017%; no homozygotes.

Submission:

Labcorp Genetics (formerly Invitae), Labcorp
Classification: Uncertain significance. Last evaluated: 2022-10-16. Review status: criteria provided, single submitter. Criteria: Invitae Variant Classification Sherloc (09022015). Collection method: clinical testing. Allele origin: germline.
Comment: This sequence change replaces serine, which is neutral and polar, with cysteine, which is neutral and slightly polar, at codon 1267 of the SPTB protein (p.Ser1267Cys). This variant is present in population databases (rs757483034, gnomAD 0.003%). This variant has not been reported in the literature in individuals affected with SPTB-related conditions. Algorithms developed to predict the effect of missense changes on protein structure and function are either unavailable or do not agree on the potential impact of this missense change (SIFT: "Tolerated"; PolyPhen-2: "Possibly Damaging"; Align-GVGD: "Class C0"). In summary, the available evidence is currently insufficient to determine the role of this variant in disease. Therefore, it has been classified as a Variant of Uncertain Significance.

NM_001355436.2(SPTB):c.3800C>G (p.Ser1267Cys)

Gene: SPTB (spectrin beta, erythrocytic; minus strand). Cytogenetic location: 14q23.3.
Variant type: single nucleotide variant.
Coding change: c.3800C>G on transcript NM_001355436.2 (MANE Select); coding-DNA position 3800, C replaced by G.
Protein change: p.Ser1267Cys; replaces serine 1267 with cysteine.
Molecular consequence: missense variant.
Genome position (GRCh38, 1-based): chr14:64,785,592, G>C on the plus strand (C>G on the coding strand, the complement: SPTB is on the minus strand). VCF-style: chr14-64785592-G-C. GRCh37 (hg19) VCF-style: chr14-65252310-G-C.
Other names: c.3800C>G, p.Ser1267Cys (NM_001024858.4, NM_001355437.2); short protein forms S1267C.
Identifiers: ClinVar variation 1715534 (VCV001715534.5), dbSNP rs757483034, ClinGen allele CA7230501.